The following is an entry in ClinVar:

ClinVar aggregate classification (germline): Pathogenic (1 of 4 stars; one submission).

Submission:

Labcorp Genetics (formerly Invitae), Labcorp
Classification: Pathogenic. Last evaluated: 2020-08-21. Review status: criteria provided, single submitter. Criteria: Invitae Variant Classification Sherloc (09022015). Collection method: clinical testing. Allele origin: germline.
Comment: For these reasons, this variant has been classified as Pathogenic. Loss-of-function variants in LAMC2 are known to be pathogenic (PMID: 11907499, 16473856). This variant has not been reported in the literature in individuals with LAMC2-related conditions. ClinVar contains an entry for this variant (Variation ID: 958953). This variant is not present in population databases (ExAC no frequency). This sequence change creates a premature translational stop signal (p.Asp621Glyfs*21) in the LAMC2 gene. It is expected to result in an absent or disrupted protein product.

Literature cited by the submitters: PubMed 11907499; PubMed 16473856.

NM_005562.3(LAMC2):c.1861dup (p.Asp621fs)

Gene: LAMC2 (laminin subunit gamma 2; plus strand). Cytogenetic location: 1q25.3.
Variant type: Duplication.
Coding change: c.1861dup on transcript NM_005562.3 (MANE Select); coding-DNA position 1861, one base duplicated (G; older notation c.1861dupG).
Protein change: p.Asp621fs; shifts the reading frame from aspartic acid 621.
Molecular consequence: frameshift variant.
Genome position (GRCh38, 1-based): chr1:183,232,190, G duplicated; the last of 2 consecutive G bases (chr1:183,232,189-183,232,190); duplicating either gives the same sequence. VCF-style (leftmost placement, unchanged base first): chr1-183232188-T-TG. GRCh37 (hg19) VCF-style: chr1-183201323-T-TG.
Other names: c.1861dup, p.Asp621fs (NM_018891.3); short protein forms D621fs.
Identifiers: ClinVar variation 958953 (VCV000958953.7), dbSNP rs1659819062, ClinGen allele CA1139656437.